The following is an entry in ClinVar:

NM_007055.4(POLR3A):c.1588G>A (p.Val530Ile)

Gene: POLR3A (RNA polymerase III subunit A; minus strand). Cytogenetic location: 10q22.3.
Variant type: single nucleotide variant.
Coding change: c.1588G>A on transcript NM_007055.4 (MANE Select); coding-DNA position 1588, G replaced by A.
Protein change: p.Val530Ile; replaces valine 530 with isoleucine.
Molecular consequence: missense variant.
Genome position (GRCh38, 1-based): chr10:78,010,525, C>T on the plus strand (G>A on the coding strand, the complement: POLR3A is on the minus strand). VCF-style: chr10-78010525-C-T. GRCh37 (hg19) VCF-style: chr10-79770283-C-T.
Other names: short protein forms V530I.
Identifiers: ClinVar variation 1447266 (VCV001447266.8), dbSNP rs2131950111, ClinGen allele CA377341492.
Genomic context (GRCh38, chr10:78,010,525, plus strand): 5'-ACCTACCTGTTAGAAAATCCTGAATAGCAGCAATCAGCGGTTCCCCATTCCTCGGGGTTA[C>T]AAGATTTGCTTTAGTCTGTAGGAAAAGTAAGCGCAGTCAGTTAGCTGTTCTCGGATGCAT-3'
Protein context (NP_008986.2, residues 520-540): LVLMGTKANL[Val530Ile]TPRNGEPLIA

ClinVar aggregate classification (germline): Uncertain significance (1 of 4 stars; one submission).

Submission:

Labcorp Genetics (formerly Invitae), Labcorp
Classification: Uncertain significance. Last evaluated: 2025-11-24. Review status: criteria provided, single submitter. Criteria: Invitae Variant Classification Sherloc (09022015). Collection method: clinical testing. Allele origin: germline.
Comment: This sequence change replaces valine, which is neutral and non-polar, with isoleucine, which is neutral and non-polar, at codon 530 of the POLR3A protein (p.Val530Ile). This variant is not present in population databases (gnomAD no frequency). This variant has not been reported in the literature in individuals affected with POLR3A-related conditions. ClinVar contains an entry for this variant (Variation ID: 1447266). Invitae Evidence Modeling of protein sequence and biophysical properties (such as structural, functional, and spatial information, amino acid conservation, physicochemical variation, residue mobility, and thermodynamic stability) indicates that this missense variant is not expected to disrupt POLR3A protein function with a negative predictive value of 80%. In summary, the available evidence is currently insufficient to determine the role of this variant in disease. Therefore, it has been classified as a Variant of Uncertain Significance.